The following is an entry in ClinVar:

ClinVar aggregate classification (germline): Likely pathogenic (1 of 4 stars; one submission).

Conditions:
Ciliary dyskinesia, primary, 37 (CILD37). Also called: CILIARY DYSKINESIA, PRIMARY, 37, WITH OR WITHOUT SITUS INVERSUS. Identifiers: MedGen C4539798, MONDO:0033204, OMIM 617577.

Allele frequency attached by ClinVar (database versions not stated): TOPMed 0.00001; ESP Exome Variant Server 0.00008.
gnomAD v4.1: 14 of 1,612,966 alleles (0.00087%); highest among the groups gnomAD compares: Non-Finnish European, 0.0011%; no homozygotes.

Submission:

Johns Hopkins Genomics, Johns Hopkins University
Classification: Likely pathogenic for Ciliary dyskinesia, primary, 37. Last evaluated: 2023-10-13. Review status: criteria provided, single submitter. Criteria: ACMG Guidelines, 2015. Collection method: clinical testing. Allele origin: germline.
Comment: This DNAH1 variant (rs375839622) is rare (<0.1%) in a large population dataset (gnomAD v2.1.1: 2/248124 total alleles; 0.00081%; no homozygotes). It has not been reported in ClinVar, nor the literature, to our knowledge. This nonsense variant results in a premature stop codon in exon 13 of 78, likely leading to nonsense-mediated decay and lack of protein production. We consider c.2254C>T in DNAH1 to be likely pathogenic.

NM_015512.5(DNAH1):c.2254C>T (p.Arg752Ter)

Gene: DNAH1 (dynein axonemal heavy chain 1; plus strand). Cytogenetic location: 3p21.1.
Variant type: single nucleotide variant.
Coding change: c.2254C>T on transcript NM_015512.5 (MANE Select); coding-DNA position 2254, C replaced by T.
Protein change: p.Arg752Ter; replaces arginine 752 with a stop codon.
Molecular consequence: nonsense.
Genome position (GRCh38, 1-based): chr3:52,349,035, C>T. VCF-style: chr3-52349035-C-T. GRCh37 (hg19) VCF-style: chr3-52383051-C-T.
Other names: short protein forms R752*.
Identifiers: ClinVar variation 2690908 (VCV002690908.1), dbSNP rs375839622, ClinGen allele CA74740020.